The following is an entry in ClinVar:

NM_000179.3(MSH6):c.2836_2837del (p.Glu946fs)

Gene: MSH6 (mutS homolog 6; plus strand). Cytogenetic location: 2p16.3.
Variant type: Microsatellite.
Coding change: c.2836_2837del on transcript NM_000179.3 (MANE Select); coding-DNA positions 2836 to 2837, 2 bases deleted (GA; older notation c.2836_2837delGA).
Protein change: p.Glu946fs; shifts the reading frame from glutamic acid 946.
Molecular consequence: frameshift variant.
Genome position (GRCh38, 1-based): chr2:47,800,819-47,800,820, GA deleted; deleting any 2 consecutive bases within chr2:47,800,816-47,800,820 gives the same sequence; the c. name uses the placement nearest the transcript's 3' end. VCF-style (leftmost placement, unchanged base first): chr2-47800815-AAG-A. GRCh37 (hg19) VCF-style: chr2-48027954-AAG-A.
Other names: c.2834_2835GA[1], p.Glu946Lysfs (NM_000179.2, NM_001406796.1, NM_001406798.1 and 3 more transcripts); c.2446_2447del, p.Glu816fs (NM_001281492.2); c.1930_1931del, p.Glu644fs (NM_001281493.2, NM_001281494.2); c.2930_2931GA[1], p.Glu978Lysfs (NM_001406795.1, NM_001406802.1); c.2537_2538GA[1], p.Glu847Lysfs (NM_001406797.1, NM_001406801.1, NM_001406805.1 and 10 more transcripts); c.2309_2310GA[1], p.Glu771Lysfs (NM_001406799.1, NM_001406806.1, NM_001406807.1); c.2756_2757GA[1], p.Glu920Lysfs (NM_001406804.1); c.1928_1929GA[1], p.Glu644Lysfs (NM_001406811.1, NM_001406812.1, NM_001406814.1 and 4 more transcripts); and 4 more; short protein forms E644fs, E816fs, E946fs.
Identifiers: ClinVar variation 1796639 (VCV001796639.4), dbSNP rs2530696236, ClinGen allele CA2497029995.

ClinVar aggregate classification (germline): Pathogenic. Review status: criteria provided, multiple submitters, no conflicts (2 of 4 stars). 3 submissions from 3 submitters: Pathogenic (3). Last evaluated 2023-08-21.

Conditions:
Hereditary cancer-predisposing syndrome. Also called: Tumor predisposition; Hereditary Cancer Syndrome; Neoplastic Syndromes, Hereditary; Hereditary neoplastic syndrome. Identifiers: Orphanet 140162, MedGen C0027672, MeSH D009386, MONDO:0015356.
Mismatch repair cancer syndrome 3. Identifiers: MedGen C5436807, MONDO:0030841, OMIM 619097.
Lynch syndrome 5 (LYNCH5). Also called: Colorectal cancer, hereditary nonpolyposis, type 5; Hereditary non-polyposis colorectal cancer, type 5. Identifiers: Orphanet 144, MedGen C1833477, MONDO:0013710, OMIM 614350. Disease mechanism: loss of function.
Endometrial carcinoma. Also called: Endometrial carcinoma, somatic. Identifiers: MedGen C0476089, MONDO:0002447, OMIM 608089, HP:0012114.

Submissions (3):

Myriad Genetics, Inc.
Classification: Pathogenic for Lynch syndrome 5. Last evaluated: 2023-08-21. Review status: criteria provided, single submitter. Criteria: Myriad Autosomal Dominant, Autosomal Recessive and X-Linked Classification Criteria (2023). Collection method: clinical testing. Allele origin: unknown.
Comment: This variant is considered pathogenic. This variant creates a frameshift predicted to result in premature protein truncation.

Ambry Genetics
Classification: Pathogenic for Hereditary cancer-predisposing syndrome. Last evaluated: 2022-06-15. Review status: criteria provided, single submitter. Criteria: Ambry Variant Classification Scheme 2023. Collection method: clinical testing. Allele origin: germline.
Comment: The c.2836_2837delGA pathogenic mutation, located in coding exon 4 of the MSH6 gene, results from a deletion of two nucleotides at nucleotide positions 2836 to 2837, causing a translational frameshift with a predicted alternate stop codon (p.E946Kfs*2). This alteration is expected to result in loss of function by premature protein truncation or nonsense-mediated mRNA decay. As such, this alteration is interpreted as a disease-causing mutation.

Department of Pathology and Laboratory Medicine, Sinai Health System
Classification: Pathogenic for Endometrial carcinoma; Lynch syndrome 5; Mismatch repair cancer syndrome 3. Last evaluated: 2020-02-05. Review status: criteria provided, single submitter. Criteria: ACMG Guidelines, 2015. Collection method: clinical testing. Allele origin: germline. Affected: yes.